The following is an entry in ClinVar:

NM_007294.4(BRCA1):c.5153-29G>A

Gene: BRCA1 (BRCA1 DNA repair associated; minus strand). Cytogenetic location: 17q21.31.
Variant type: single nucleotide variant.
Coding change: c.5153-29G>A on transcript NM_007294.4 (MANE Select); 29 bases into the intron before coding-DNA position 5153, G replaced by A.
Molecular consequence: intron variant.
Genome position (GRCh38, 1-based): chr17:43,063,402, C>T on the plus strand (G>A on the coding strand, the complement: BRCA1 is on the minus strand). VCF-style: chr17-43063402-C-T. GRCh37 (hg19) VCF-style: chr17-41215419-C-T.
Other names: c.1700-29G>A (NM_001408458.1, NM_001408461.1, NM_001408464.1 and 7 more transcripts); c.4262-29G>A (NM_001407967.1); c.4772-29G>A (NM_001407959.1); c.4886-29G>A (NM_001407931.1, NM_001407932.1, NM_001407928.1 and 4 more transcripts); c.5009-29G>A (NM_001407747.1, NM_001407745.1, NM_001407737.1 and 21 more transcripts); c.4769-29G>A (NM_001407962.1, NM_001407960.1); c.1340-29G>A (NM_001408512.1); c.1463-29G>A (NM_001408510.1); and 72 more.
Identifiers: ClinVar variation 867406 (VCV000867406.3), dbSNP rs2051879159, ClinGen allele CA916080110.
Genomic context (GRCh38, chr17:43,063,402, plus strand): 5'-CATTTTTCTTTCTTTAATAGACTGGGTCACCCCTAAAGAGATCATAGAAAAGACAGGTTA[C>T]ATACAGCAGAAGAACGTGCTCTTTTCACGGAGATAGAGAGGTCAGCGATTCACAAAAGAG-3'

Conditions:
Breast-ovarian cancer, familial, susceptibility to, 1 (BROVCA1). Also called: BRCA1 Hereditary Breast and Ovarian Cancer; OVARIAN CANCER, SUSCEPTIBILITY TO. Identifiers: Orphanet 145, MedGen C2676676, MONDO:0011450, OMIM 604370. Disease mechanism: loss of function.

Allele frequency attached by ClinVar (database versions not stated): gnomAD exomes below 0.00001.
gnomAD v4.1: 1 of 1,587,714 alleles (0.000063%); highest among the groups gnomAD compares: Non-Finnish European, 0.000086%; no homozygotes.

Submission:

Brotman Baty Institute, University of Washington
No classification provided (evidence only). Condition: Breast-ovarian cancer, familial 1. Review status: no classification provided. Collection method: in vitro. Allele origin: not applicable. Functional consequence: functionally_normal.
ClinVar note: "not provided" was previously submitted as the classification for the variant. However, the classification appeared to be based only on an observation of functional data so it was converted to no classification on 2025-07-30.